The following is an entry in ClinVar:

NM_001367624.2(ZNF469):c.5540C>T (p.Ala1847Val)

Gene: ZNF469 (zinc finger protein 469; plus strand). Cytogenetic location: 16q24.2.
Variant type: single nucleotide variant.
Coding change: c.5540C>T on transcript NM_001367624.2 (MANE Select); coding-DNA position 5540, C replaced by T.
Protein change: p.Ala1847Val; replaces alanine 1847 with valine.
Molecular consequence: missense variant.
Genome position (GRCh38, 1-based): chr16:88,433,010, C>T. VCF-style: chr16-88433010-C-T. GRCh37 (hg19) VCF-style: chr16-88499418-C-T.
Other names: NM_001127464.1:c.5456C>T; short protein forms A1847V.
Identifiers: ClinVar variation 1747638 (VCV001747638.5), dbSNP rs374091782, ClinGen allele CA286380668.

ClinVar aggregate classification (germline): Conflicting classifications of pathogenicity. Review status: criteria provided, conflicting classifications (1 of 4 stars). 2 submissions from 2 submitters: Uncertain significance (1); Likely benign (1). Last evaluated 2024-10-10.

Conditions:
Cardiovascular phenotype. Identifiers: MedGen CN230736.

Allele frequency attached by ClinVar (database versions not stated): gnomAD exomes below 0.00001; TOPMed below 0.00001; gnomAD 0.00001.
gnomAD v4.1: 9 of 1,550,272 alleles (0.00058%); highest among the groups gnomAD compares: East Asian, 0.0073%; no homozygotes.

Submissions (2):

Ambry Genetics
Classification: Likely benign for Cardiovascular phenotype. Last evaluated: 2024-10-10. Review status: criteria provided, single submitter. Criteria: Ambry Variant Classification Scheme 2023. Collection method: clinical testing. Allele origin: germline.

Labcorp Genetics (formerly Invitae), Labcorp
Classification: Uncertain significance. Last evaluated: 2022-01-18. Review status: criteria provided, single submitter. Criteria: Invitae Variant Classification Sherloc (09022015). Collection method: clinical testing. Allele origin: germline.
Comment: This sequence change replaces alanine, which is neutral and non-polar, with valine, which is neutral and non-polar, at codon 1819 of the ZNF469 protein (p.Ala1819Val). This variant is present in population databases (rs374091782, gnomAD no frequency). This variant has not been reported in the literature in individuals affected with ZNF469-related conditions. Algorithms developed to predict the effect of missense changes on protein structure and function output the following: SIFT: "Tolerated"; PolyPhen-2: "Benign"; Align-GVGD: "Class C0". The valine amino acid residue is found in multiple mammalian species, which suggests that this missense change does not adversely affect protein function. Algorithms developed to predict the effect of sequence changes on RNA splicing suggest that this variant may create or strengthen a splice site. In summary, the available evidence is currently insufficient to determine the role of this variant in disease. Therefore, it has been classified as a Variant of Uncertain Significance.